The following is an entry in ClinVar:

ClinVar aggregate classification (germline): Uncertain significance (1 of 4 stars; one submission).

Conditions:
Hereditary cancer-predisposing syndrome. Also called: Tumor predisposition; Neoplastic Syndromes, Hereditary; Hereditary neoplastic syndrome; Hereditary Cancer Syndrome. Identifiers: Orphanet 140162, MedGen C0027672, MeSH D009386, MONDO:0015356.

gnomAD v4.1: 1 of 1,614,094 alleles (0.000062%); highest among the groups gnomAD compares: East Asian, 0.0022%; no homozygotes.

Submission:

Ambry Genetics
Classification: Uncertain significance for Hereditary cancer-predisposing syndrome. Last evaluated: 2025-08-27. Review status: criteria provided, single submitter. Criteria: Ambry Variant Classification Scheme 2023. Collection method: clinical testing. Allele origin: germline.
Comment: The p.T445S variant (also known as c.1334C>G), located in coding exon 14 of the MUTYH gene, results from a C to G substitution at nucleotide position 1334. The threonine at codon 445 is replaced by serine, an amino acid with similar properties. This amino acid position is conserved. In addition, this alteration is predicted to be tolerated by in silico analysis. Based on the available evidence, the clinical significance of this variant remains unclear.

NM_001048174.2(MUTYH):c.1250C>G (p.Thr417Ser)

Gene: MUTYH (mutY DNA glycosylase; minus strand). Cytogenetic location: 1p34.1.
Variant type: single nucleotide variant.
Coding change: c.1250C>G on transcript NM_001048174.2 (MANE Select); coding-DNA position 1250, C replaced by G.
Protein change: p.Thr417Ser; replaces threonine 417 with serine.
Molecular consequence: missense variant. On other transcripts: non-coding transcript variant (7).
Genome position (GRCh38, 1-based): chr1:45,331,324, G>C on the plus strand (C>G on the coding strand, the complement: MUTYH is on the minus strand). VCF-style: chr1-45331324-G-C. GRCh37 (hg19) VCF-style: chr1-45796996-G-C.
Other names: c.1250C>G, p.Thr417Ser (NM_001048171.2, NM_001048173.2, NM_001293195.2 and 6 more transcripts); c.1253C>G, p.Thr418Ser (NM_001048172.2, NM_001407071.1, NM_001407078.1 and 1 more transcripts); c.1334C>G, p.Thr445Ser (NM_001128425.2); c.1295C>G, p.Thr432Ser (NM_001293190.2); c.1283C>G, p.Thr428Ser (NM_001293191.2, NM_001407069.1, NM_001407077.1); c.974C>G, p.Thr325Ser (NM_001293192.2, NM_001293196.2, NM_001407091.1); c.905C>G, p.Thr302Ser (NM_001350650.2, NM_001350651.2, NM_001407082.1); c.1166C>G, p.Thr389Ser (NM_001407075.1); and 5 more; short protein forms T403S, T404S, T417S, T432S, T431S, T325S, T389S, T445S.
Identifiers: ClinVar variation 4113185 (VCV004113185.1).